The following is an entry in ClinVar:

ClinVar aggregate classification (germline): Uncertain significance. Review status: criteria provided, multiple submitters, no conflicts (2 of 4 stars). 2 submissions from 2 submitters: Uncertain significance (2). Last evaluated 2022-03-11.

Allele frequency attached by ClinVar (database versions not stated): gnomAD 0.00001; TOPMed 0.00002.
gnomAD v4.1: 4 of 1,552,650 alleles (0.00026%); highest among the groups gnomAD compares: African/African-American, 0.0055%; no homozygotes.

Submissions (2):

GeneDx
Classification: Uncertain significance. Last evaluated: 2022-03-11. Review status: criteria provided, single submitter. Criteria: GeneDx Variant Classification Process June 2021. Collection method: clinical testing. Allele origin: germline. Affected: yes.
Comment: Not observed at significant frequency in large population cohorts (gnomAD); In silico analysis supports that this missense variant has a deleterious effect on protein structure/function; Has not been previously published as pathogenic or benign to our knowledge

Labcorp Genetics (formerly Invitae), Labcorp
Classification: Uncertain significance. Last evaluated: 2022-02-01. Review status: criteria provided, single submitter. Criteria: Invitae Variant Classification Sherloc (09022015). Collection method: clinical testing. Allele origin: germline.
Comment: In summary, the available evidence is currently insufficient to determine the role of this variant in disease. Therefore, it has been classified as a Variant of Uncertain Significance. Advanced modeling of protein sequence and biophysical properties (such as structural, functional, and spatial information, amino acid conservation, physicochemical variation, residue mobility, and thermodynamic stability) performed at Invitae indicates that this missense variant is not expected to disrupt NOTCH3 protein function. This variant has not been reported in the literature in individuals affected with NOTCH3-related conditions. This variant is not present in population databases (gnomAD no frequency). This sequence change replaces valine, which is neutral and non-polar, with methionine, which is neutral and non-polar, at codon 905 of the NOTCH3 protein (p.Val905Met).

NM_000435.3(NOTCH3):c.2713G>A (p.Val905Met)

Gene: NOTCH3 (notch receptor 3; minus strand). Cytogenetic location: 19p13.12.
Variant type: single nucleotide variant.
Coding change: c.2713G>A on transcript NM_000435.3 (MANE Select); coding-DNA position 2713, G replaced by A.
Protein change: p.Val905Met; replaces valine 905 with methionine.
Molecular consequence: missense variant.
Genome position (GRCh38, 1-based): chr19:15,181,655, C>T on the plus strand (G>A on the coding strand, the complement: NOTCH3 is on the minus strand). VCF-style: chr19-15181655-C-T. GRCh37 (hg19) VCF-style: chr19-15292466-C-T.
Other names: short protein forms V905M.
Identifiers: ClinVar variation 1704882 (VCV001704882.6), dbSNP rs997452945, ClinGen allele CA305771013.